The following is an entry in ClinVar:

NM_001114753.3(ENG):c.784C>G (p.Leu262Val)

Gene: ENG (endoglin; minus strand). Cytogenetic location: 9q34.11.
Variant type: single nucleotide variant.
Coding change: c.784C>G on transcript NM_001114753.3 (MANE Select); coding-DNA position 784, C replaced by G.
Protein change: p.Leu262Val; replaces leucine 262 with valine.
Molecular consequence: missense variant.
Genome position (GRCh38, 1-based): chr9:127,825,263, G>C on the plus strand (C>G on the coding strand, the complement: ENG is on the minus strand). VCF-style: chr9-127825263-G-C. GRCh37 (hg19) VCF-style: chr9-130587542-G-C.
Other names: c.784C>G, p.Leu262Val (NM_000118.4, NM_001406715.1); c.238C>G, p.Leu80Val (NM_001278138.2); short protein forms L262V, L80V.
Identifiers: ClinVar variation 4843460 (VCV004843460.1).
Genomic context (GRCh38, chr9:127,825,263, plus strand): 5'-TGTGTCCCGGGAGCTGCGCACAACTCACCCAGATCTGCATGTTGTGGTTGGCGTCGATGA[G>C]CCAGGACACGTAGGGGGGACCCTGCAGGATGAGGACGGCATCGAGATCCCCGGGTGCGCA-3'
Protein context (NP_001108225.1, residues 252-272): ILQGPPYVSW[Leu262Val]IDANHNMQIW

ClinVar aggregate classification (germline): Uncertain significance (1 of 4 stars; one submission).

Conditions:
Cardiovascular phenotype. Identifiers: MedGen CN230736.

gnomAD v4.1: 2 of 1,612,726 alleles (0.00012%); highest among the groups gnomAD compares: Non-Finnish European, 0.00017%; no homozygotes.

Submission:

Ambry Genetics
Classification: Uncertain significance for Cardiovascular phenotype. Last evaluated: 2026-01-04. Review status: criteria provided, single submitter. Criteria: Ambry Variant Classification Scheme 2023. Collection method: clinical testing. Allele origin: germline.
Comment: The p.L262V variant (also known as c.784C>G), located in coding exon 6 of the ENG gene, results from a C to G substitution at nucleotide position 784. The leucine at codon 262 is replaced by valine, an amino acid with highly similar properties. This amino acid position is conserved. In addition, this alteration is predicted to be tolerated by in silico analysis. Based on the available evidence, the clinical significance of this variant remains unclear.